The following is an entry in ClinVar:

ClinVar aggregate classification (germline): Uncertain significance (1 of 4 stars; one submission).

Allele frequency attached by ClinVar (database versions not stated): gnomAD exomes 0.00002; ExAC 0.00007; 1000 Genomes Project 30x 0.00021.

Submission:

GeneDx
Classification: Uncertain significance. Last evaluated: 2020-02-13. Review status: criteria provided, single submitter. Criteria: GeneDx Variant Classification Process June 2021. Collection method: clinical testing. Allele origin: germline. Affected: yes.
Comment: In silico analysis supports that this missense variant does not alter protein structure/function; Has not been previously published as pathogenic or benign to our knowledge

NM_177433.3(MAGED2):c.1753G>T (p.Ala585Ser)

Gene: MAGED2 (MAGE family member D2; plus strand). Cytogenetic location: Xp11.21.
Variant type: single nucleotide variant.
Coding change: c.1753G>T on transcript NM_177433.3 (MANE Select); coding-DNA position 1753, G replaced by T.
Protein change: p.Ala585Ser; replaces alanine 585 with serine.
Molecular consequence: missense variant.
Genome position (GRCh38, 1-based): chrX:54,815,614, G>T. VCF-style: chrX-54815614-G-T. GRCh37 (hg19) VCF-style: chrX-54842047-G-T.
Other names: c.1753G>T, p.Ala585Ser (NM_014599.6, NM_201222.3); short protein forms A585S.
Identifiers: ClinVar variation 1315422 (VCV001315422.2), dbSNP rs200491129, ClinGen allele CA10426925.